The following is an entry in ClinVar:

ClinVar aggregate classification (germline): Uncertain significance (1 of 4 stars; one submission).

Submission:

Mayo Clinic Laboratories, Mayo Clinic
Classification: Uncertain significance. Last evaluated: 2022-10-12. Review status: criteria provided, single submitter. Criteria: ACMG Guidelines, 2015. Collection method: clinical testing. Allele origin: germline. Observed: 1 variant allele.
Comment: PM2_supporting

NM_004415.4(DSP):c.467T>G (p.Ile156Ser)

Gene: DSP (desmoplakin; plus strand). Cytogenetic location: 6p24.3.
Variant type: single nucleotide variant.
Coding change: c.467T>G on transcript NM_004415.4 (MANE Select); coding-DNA position 467, T replaced by G.
Protein change: p.Ile156Ser; replaces isoleucine 156 with serine.
Molecular consequence: missense variant.
Genome position (GRCh38, 1-based): chr6:7,559,270, T>G. VCF-style: chr6-7559270-T-G. GRCh37 (hg19) VCF-style: chr6-7559503-T-G.
Other names: p.Ile156Ser; c.467T>G, p.Ile156Ser (NM_001008844.3, NM_001319034.2, NM_001406591.1); short protein forms I156S.
Identifiers: ClinVar variation 2682917 (VCV002682917.1), dbSNP rs767692014, ClinGen allele CA362672239.